The following is an entry in ClinVar:

ClinVar aggregate classification (germline): Uncertain significance (1 of 4 stars; one submission).

Conditions:
Inborn genetic diseases. Identifiers: MedGen C0950123, MeSH D030342.

Submission:

Ambry Genetics
Classification: Uncertain significance for Inborn genetic diseases. Last evaluated: 2024-09-09. Review status: criteria provided, single submitter. Criteria: Ambry Variant Classification Scheme 2023. Collection method: clinical testing. Allele origin: germline.
Comment: The c.289+5G>A intronic alteration results from a G to A substitution 5 nucleotides after coding exon 1 of the SLC20A2 gene. This variant was not reported in population-based cohorts in the Genome Aggregation Database (gnomAD). This variant has been reported in one individual with bilateral calcification of basal ganglia, akinetic-rigid syndrome with tremor, gait disorder, and hypophonia (Ramos, 2018). This nucleotide position is highly conserved in available vertebrate species. Direct evidence of a splicing impact is insufficient at this time (Ambry internal data). In silico splice site analysis predicts that this alteration will weaken the native splice donor site. Based on insufficient or conflicting evidence, the clinical significance of this alteration remains unclear.

Literature cited by the submitters: PubMed 29955172.

NM_001257180.2(SLC20A2):c.289+5G>A

Gene: SLC20A2 (solute carrier family 20 member 2; minus strand). Cytogenetic location: 8p11.21.
Variant type: single nucleotide variant.
Coding change: c.289+5G>A on transcript NM_001257180.2 (MANE Select); 5 bases into the intron after coding-DNA position 289, G replaced by A.
Molecular consequence: intron variant.
Genome position (GRCh38, 1-based): chr8:42,472,097, C>T on the plus strand (G>A on the coding strand, the complement: SLC20A2 is on the minus strand). VCF-style: chr8-42472097-C-T. GRCh37 (hg19) VCF-style: chr8-42329615-C-T.
Other names: c.289+5G>A (NM_006749.5, NM_001257181.2).
Identifiers: ClinVar variation 3443012 (VCV003443012.1).
Genomic context (GRCh38, chr8:42,472,097, plus strand): 5'-AAAGTACTGCAGGGAAGCGGGTCAGTGGGCGGATGTCCCATCGGTATAGAGAAGAGGCTA[C>T]TCACCAACCATGGCACTAACTTCCCCAGCCATGAGAGTCTCCACCGTCTCGTTGTACAGG-3'